The following is an entry in ClinVar:

NM_000038.6(APC):c.6627T>G (p.Ile2209Met)

Gene: APC (APC regulator of Wnt signaling pathway; plus strand). Cytogenetic location: 5q22.2.
Variant type: single nucleotide variant.
Coding change: c.6627T>G on transcript NM_000038.6 (MANE Select); coding-DNA position 6627, T replaced by G.
Protein change: p.Ile2209Met; replaces isoleucine 2209 with methionine.
Molecular consequence: missense variant.
Genome position (GRCh38, 1-based): chr5:112,842,221, T>G. VCF-style: chr5-112842221-T-G. GRCh37 (hg19) VCF-style: chr5-112177918-T-G.
Other names: c.6627T>G (NM_000038.5); c.6627T>G, p.Ile2209Met (NM_001127510.3, NM_001354895.2); c.6573T>G, p.Ile2191Met (NM_001127511.3); c.6681T>G, p.Ile2227Met (NM_001354896.2); c.6657T>G, p.Ile2219Met (NM_001354897.2); c.6552T>G, p.Ile2184Met (NM_001354898.2); c.6543T>G, p.Ile2181Met (NM_001354899.2); c.6504T>G, p.Ile2168Met (NM_001354900.2); and 6 more; short protein forms I2108M, I2150M, I2227M, I2118M, I1926M, I2168M, I2191M, I2219M.
Identifiers: ClinVar variation 1374042 (VCV001374042.10), dbSNP rs2149969232, ClinGen allele CA16035827.

ClinVar aggregate classification (germline): Uncertain significance. Review status: criteria provided, multiple submitters, no conflicts (2 of 4 stars). 4 submissions from 4 submitters: Uncertain significance (4). Last evaluated 2026-01-19.

Conditions:
Inherited polyposis and early onset colorectal cancer - germline testing.
Hereditary cancer-predisposing syndrome. Also called: Neoplastic Syndromes, Hereditary; Tumor predisposition; Hereditary neoplastic syndrome; Hereditary Cancer Syndrome. Identifiers: Orphanet 140162, MedGen C0027672, MeSH D009386, MONDO:0015356.
Familial adenomatous polyposis 1 (FAP1). Also called: FAMILIAL ADENOMATOUS POLYPOSIS 1, ATTENUATED; POLYPOSIS, ADENOMATOUS INTESTINAL. Identifiers: MedGen C2713442, MONDO:0021056, OMIM 175100. Disease mechanism: loss of function.

gnomAD v4.1: 6 of 1,613,794 alleles (0.00037%); highest among the groups gnomAD compares: Non-Finnish European, 0.00051%; no homozygotes.

Submissions (4):

Genomics and Molecular Medicine Service, East Genomic Laboratory Hub, NHS Genomic Medicine Service
Classification: Uncertain significance for Inherited polyposis and early onset colorectal cancer - germline testing. Last evaluated: 2026-01-19. Review status: criteria provided, single submitter. Criteria: ACGS Best Practice Guidelines for Variant Classification in Rare Disease 2020. Collection method: clinical testing. Allele origin: germline. Affected: yes.
Comment: BP1

Ambry Genetics
Classification: Uncertain significance for Hereditary cancer-predisposing syndrome. Last evaluated: 2025-11-12. Review status: criteria provided, single submitter. Criteria: Ambry Variant Classification Scheme 2023. Collection method: clinical testing. Allele origin: germline.
Comment: The p.I2209M variant (also known as c.6627T>G), located in coding exon 15 of the APC gene, results from a T to G substitution at nucleotide position 6627. The isoleucine at codon 2209 is replaced by methionine, an amino acid with highly similar properties. This amino acid position is conserved. In addition, in silico predictors for this gene do not accurately predict pathogenicity. Based on the available evidence, the clinical significance of this variant remains unclear.

Color Diagnostics, LLC DBA Color Health
Classification: Uncertain significance for Hereditary cancer-predisposing syndrome. Last evaluated: 2025-08-14. Review status: criteria provided, single submitter. Criteria: ACMG Guidelines, 2015. Collection method: clinical testing. Allele origin: germline.
Comment: This missense variant replaces isoleucine with methionine at codon 2209 of the APC protein. Computational prediction suggests that this variant may not impact protein structure and function. To our knowledge, functional studies have not been reported for this variant. This variant has not been reported in individuals affected with APC-related disorders in the literature. This variant has not been identified in the general population by the Genome Aggregation Database (gnomAD). The available evidence is insufficient to determine the role of this variant in disease conclusively. Therefore, this variant is classified as a Variant of Uncertain Significance.

Labcorp Genetics (formerly Invitae), Labcorp
Classification: Uncertain significance for Familial adenomatous polyposis 1. Last evaluated: 2021-05-10. Review status: criteria provided, single submitter. Criteria: Invitae Variant Classification Sherloc (09022015). Collection method: clinical testing. Allele origin: germline.
Comment: This variant has not been reported in the literature in individuals with APC-related conditions. In summary, the available evidence is currently insufficient to determine the role of this variant in disease. Therefore, it has been classified as a Variant of Uncertain Significance. Algorithms developed to predict the effect of missense changes on protein structure and function (SIFT, PolyPhen-2, Align-GVGD) all suggest that this variant is likely to be tolerated, but these predictions have not been confirmed by published functional studies and their clinical significance is uncertain. This variant is not present in population databases (ExAC no frequency). This sequence change replaces isoleucine with methionine at codon 2209 of the APC protein (p.Ile2209Met). The isoleucine residue is weakly conserved and there is a small physicochemical difference between isoleucine and methionine.